The following is an entry in ClinVar:

ClinVar aggregate classification (germline): Uncertain significance. Review status: criteria provided, multiple submitters, no conflicts (2 of 4 stars). 2 submissions from 2 submitters: Uncertain significance (2). Last evaluated 2022-10-07.

Conditions:
Galactosylceramide beta-galactosidase deficiency. Also called: Krabbe Disease; Leukodystrophy, Globoid Cell; GALACTOCEREBROSIDASE DEFICIENCY; GALC DEFICIENCY; GLOBOID CELL LEUKOENCEPHALOPATHY. Identifiers: Orphanet 487, MedGen C0023521, MONDO:0009499, OMIM 245200.

Allele frequency attached by ClinVar (database versions not stated): gnomAD exomes below 0.00001.
gnomAD v4.1: 2 of 1,610,688 alleles (0.00012%); highest among the groups gnomAD compares: East Asian, 0.0022%; no homozygotes.

Submissions (2):

Labcorp Genetics (formerly Invitae), Labcorp
Classification: Uncertain significance for Galactosylceramide beta-galactosidase deficiency. Last evaluated: 2022-10-07. Review status: criteria provided, single submitter. Criteria: Invitae Variant Classification Sherloc (09022015). Collection method: clinical testing. Allele origin: germline.
Comment: This sequence change replaces histidine, which is basic and polar, with arginine, which is basic and polar, at codon 526 of the GALC protein (p.His526Arg). This variant is not present in population databases (gnomAD no frequency). This variant has not been reported in the literature in individuals affected with GALC-related conditions. ClinVar contains an entry for this variant (Variation ID: 1349449). Advanced modeling of protein sequence and biophysical properties (such as structural, functional, and spatial information, amino acid conservation, physicochemical variation, residue mobility, and thermodynamic stability) performed at Invitae indicates that this missense variant is expected to disrupt GALC protein function. In summary, the available evidence is currently insufficient to determine the role of this variant in disease. Therefore, it has been classified as a Variant of Uncertain Significance.

Fulgent Genetics
Classification: Uncertain significance for Galactosylceramide beta-galactosidase deficiency. Last evaluated: 2021-07-15. Review status: criteria provided, single submitter. Criteria: ACMG Guidelines, 2015. Collection method: clinical testing. Allele origin: unknown.

NM_000153.4(GALC):c.1577A>G (p.His526Arg)

Gene: GALC (galactosylceramidase; minus strand). Cytogenetic location: 14q31.3.
Variant type: single nucleotide variant.
Coding change: c.1577A>G on transcript NM_000153.4 (MANE Select); coding-DNA position 1577, A replaced by G.
Protein change: p.His526Arg; replaces histidine 526 with arginine.
Molecular consequence: missense variant.
Genome position (GRCh38, 1-based): chr14:87,945,646, T>C on the plus strand (A>G on the coding strand, the complement: GALC is on the minus strand). VCF-style: chr14-87945646-T-C. GRCh37 (hg19) VCF-style: chr14-88411990-T-C.
Other names: c.1508A>G, p.His503Arg (NM_001201401.2); c.1499A>G, p.His500Arg (NM_001201402.2); short protein forms H526R, H500R, H503R.
Identifiers: ClinVar variation 1349449 (VCV001349449.6), dbSNP rs2139951434, ClinGen allele CA390746148.